The following is an entry in ClinVar:

NM_003742.4(ABCB11):c.3056+1G>T

Gene: ABCB11 (ATP binding cassette subfamily B member 11; minus strand). Cytogenetic location: 2q31.1.
Variant type: single nucleotide variant.
Coding change: c.3056+1G>T on transcript NM_003742.4 (MANE Select); the canonical splice donor site of the intron after coding-DNA position 3056, G replaced by T.
Molecular consequence: splice donor variant.
Genome position (GRCh38, 1-based): chr2:168,935,183, C>A on the plus strand (G>T on the coding strand, the complement: ABCB11 is on the minus strand). VCF-style: chr2-168935183-C-A. GRCh37 (hg19) VCF-style: chr2-169791693-C-A.
Identifiers: ClinVar variation 4815273 (VCV004815273.1).
Genomic context (GRCh38, chr2:168,935,183, plus strand): 5'-GAACCAGGCTATTCCTTCCTTGTGTGTTGATCTTTTCTCACCTTGGCTAGATATTCCTCA[C>A]CTGAACACATAGCTGAAATGGAGCCCCTCATTGGAGATTAAGTAACCTCCATATCTGTAG-3'

ClinVar aggregate classification (germline): Likely pathogenic (1 of 4 stars; one submission).

Conditions:
Progressive familial intrahepatic cholestasis type 2. Identifiers: Orphanet 79304, MedGen C3489789, MONDO:0011156, OMIM 601847.

Submission:

Natera, Inc.
Classification: Likely pathogenic for Progressive familial intrahepatic cholestasis type 2. Last evaluated: 2025-08-05. Review status: criteria provided, single submitter. Criteria: Natera Variant Classification Schema (03/2026). Collection method: clinical testing. Allele origin: germline.
Comment: The c.3056+1G>T variant in ABCB11 is a canonical splice donor site variant predicted to affect pre-mRNA splicing, which may result in an abnormal transcript and altered protein product. This variant is expected to result in nonsense mediated decay, truncation, or a dysfunctional protein product. This variant is rare in the general population with a frequency below the threshold expected for the associated phenotype(s). Given the available evidence, this variant is classified as Likely Pathogenic.